The following is an entry in ClinVar:

NM_004782.4(SNAP29):c.607G>A (p.Asp203Asn)

Gene: SNAP29 (synaptosome associated protein 29; plus strand). Cytogenetic location: 22q11.21.
Variant type: single nucleotide variant.
Coding change: c.607G>A on transcript NM_004782.4 (MANE Select); coding-DNA position 607, G replaced by A.
Protein change: p.Asp203Asn; replaces aspartic acid 203 with asparagine.
Molecular consequence: missense variant.
Genome position (GRCh38, 1-based): chr22:20,883,557, G>A. VCF-style: chr22-20883557-G-A. GRCh37 (hg19) VCF-style: chr22-21237845-G-A.
Other names: short protein forms D203N.
Identifiers: ClinVar variation 900135 (VCV000900135.5), dbSNP rs752535047, ClinGen allele CA10117190.

ClinVar aggregate classification (germline): Uncertain significance. Review status: criteria provided, multiple submitters, no conflicts (2 of 4 stars). 2 submissions from 2 submitters: Uncertain significance (2). Last evaluated 2019-10-31.

Conditions:
CEDNIK syndrome. Also called: Cerebral dysgenesis, neuropathy, ichthyosis, and palmoplantar keratoderma; CEREBRAL DYSGENESIS, NEUROPATHY, ICHTHYOSIS, AND PALMOPLANTAR KERATODERMA SYNDROME. Identifiers: Orphanet 66631, MedGen C1836033, MONDO:0012290, OMIM 609528.

Allele frequency attached by ClinVar (database versions not stated): ExAC 0.00003; gnomAD 0.00003 and 0.00004; gnomAD exomes 0.00003; TOPMed 0.00003.

Submissions (2):

GeneDx
Classification: Uncertain significance. Last evaluated: 2019-10-31. Review status: criteria provided, single submitter. Criteria: GeneDx Variant Classification Process June 2021. Collection method: clinical testing. Allele origin: germline. Affected: yes.
Comment: Not observed at a significant frequency in large population cohorts (Lek et al., 2016); In silico analysis, which includes protein predictors and evolutionary conservation, supports a deleterious effect; This variant is associated with the following publications: (PMID: 24482440)

Illumina Laboratory Services, Illumina
Classification: Uncertain significance for CEDNIK syndrome. Last evaluated: 2018-01-12. Review status: criteria provided, single submitter. Criteria: ICSL Variant Classification Criteria 13 December 2019. Collection method: clinical testing. Allele origin: germline.